The following is an entry in ClinVar:

NM_004963.4(GUCY2C):c.1330G>A (p.Val444Met)

Gene: GUCY2C (guanylate cyclase 2C; minus strand). Cytogenetic location: 12p12.3.
Variant type: single nucleotide variant.
Coding change: c.1330G>A on transcript NM_004963.4 (MANE Select); coding-DNA position 1330, G replaced by A.
Protein change: p.Val444Met; replaces valine 444 with methionine.
Molecular consequence: missense variant.
Genome position (GRCh38, 1-based): chr12:14,661,015, C>T on the plus strand (G>A on the coding strand, the complement: GUCY2C is on the minus strand). VCF-style: chr12-14661015-C-T. GRCh37 (hg19) VCF-style: chr12-14813949-C-T.
Other names: short protein forms V444M.
Identifiers: ClinVar variation 4776066 (VCV004776066.1).

ClinVar aggregate classification (germline): Uncertain significance (1 of 4 stars; one submission).

gnomAD v4.1: 4 of 1,613,058 alleles (0.00025%); highest among the groups gnomAD compares: Middle Eastern, 0.033%; no homozygotes.

Submission:

Labcorp Genetics (formerly Invitae), Labcorp
Classification: Uncertain significance. Last evaluated: 2025-11-04. Review status: criteria provided, single submitter. Criteria: Invitae Variant Classification Sherloc (09022015). Collection method: clinical testing. Allele origin: germline.
Comment: This sequence change replaces valine, which is neutral and non-polar, with methionine, which is neutral and non-polar, at codon 444 of the GUCY2C protein (p.Val444Met). This variant is not present in population databases (gnomAD no frequency). This variant has not been reported in the literature in individuals affected with GUCY2C-related conditions. Invitae Evidence Modeling of protein sequence and biophysical properties (such as structural, functional, and spatial information, amino acid conservation, physicochemical variation, residue mobility, and thermodynamic stability) indicates that this missense variant is not expected to disrupt GUCY2C protein function with a negative predictive value of 80%. In summary, the available evidence is currently insufficient to determine the role of this variant in disease. Therefore, it has been classified as a Variant of Uncertain Significance.